The following is an entry in ClinVar:

ClinVar aggregate classification (germline): Uncertain significance (1 of 4 stars; one submission).

gnomAD v4.1: 1 of 1,614,072 alleles (0.000062%); highest among the groups gnomAD compares: African/African-American, 0.0013%; no homozygotes.

Submission:

Dasa
Classification: Uncertain significance. Last evaluated: 2025-12-29. Review status: criteria provided, single submitter. Criteria: DASA Assertion Criteria. Collection method: clinical testing. Allele origin: germline.
Comment: NM_001844.5(COL2A1):c.1021G>T (p.Ala341Ser) is a missense variant that results in the substitution of alanine with serine. This variant is rare in population databases. Computational prediction algorithms are consistent with a deleterious effect. The currently available literature and clinical evidence are not sufficient to establish a definitive association between this variant and the reported condition. Therefore, this variant is classified as a variant of uncertain significance.

NM_001844.5(COL2A1):c.1021G>T (p.Ala341Ser)

Gene: COL2A1 (collagen type II alpha 1 chain; minus strand). Cytogenetic location: 12q13.11.
Variant type: single nucleotide variant.
Coding change: c.1021G>T on transcript NM_001844.5 (MANE Select); coding-DNA position 1021, G replaced by T.
Protein change: p.Ala341Ser; replaces alanine 341 with serine.
Molecular consequence: missense variant.
Genome position (GRCh38, 1-based): chr12:47,992,880, C>A on the plus strand (G>T on the coding strand, the complement: COL2A1 is on the minus strand). VCF-style: chr12-47992880-C-A. GRCh37 (hg19) VCF-style: chr12-48386663-C-A.
Other names: c.814G>T, p.Ala272Ser (NM_033150.3); short protein forms A272S, A341S.
Identifiers: ClinVar variation 4885723 (VCV004885723.2).